The following is an entry in ClinVar:

ClinVar aggregate classification (germline): Conflicting classifications of pathogenicity. Review status: criteria provided, conflicting classifications (1 of 4 stars). 4 submissions from 4 submitters: Uncertain significance (2); Likely benign (1). 1 of the submissions does not count toward it. Last evaluated 2025-11-21.

Conditions:
Colorectal cancer, hereditary nonpolyposis, type 7. Identifiers: Orphanet 144, MedGen C1858380, MONDO:0013725, OMIM 614385.
Colorectal cancer. Also called: Colorectal cancer, somatic; Malignant Colorectal Neoplasm. Identifiers: MedGen C0346629, MONDO:0005575, OMIM 114500.
Endometrial carcinoma. Also called: Endometrial carcinoma, somatic. Identifiers: MedGen C0476089, MONDO:0002447, OMIM 608089, HP:0012114.
MLH3-related disorder. Also called: MLH3-related condition.

Allele frequency attached by ClinVar (database versions not stated): gnomAD exomes 0.00003 and 0.00010; ExAC 0.00011; gnomAD 0.00026 and 0.00029; TOPMed 0.00032; 1000 Genomes Project 0.00040; ESP Exome Variant Server 0.00046; 1000 Genomes Project 30x 0.00047.
gnomAD v4.1: 87 of 1,614,062 alleles (0.0054%); highest among the groups gnomAD compares: African/African-American, 0.1%; no homozygotes.

Submissions (4):

Labcorp Genetics (formerly Invitae), Labcorp
Classification: Likely benign for Colorectal cancer, hereditary nonpolyposis, type 7. Last evaluated: 2025-11-21. Review status: criteria provided, single submitter. Criteria: Invitae Variant Classification Sherloc (09022015). Collection method: clinical testing. Allele origin: germline.

Ambry Genetics
Classification: Uncertain significance. Last evaluated: 2023-12-18. Review status: criteria provided, single submitter. Criteria: Ambry Variant Classification Scheme 2023. Collection method: clinical testing. Allele origin: germline.

Department of Pathology and Laboratory Medicine, Sinai Health System
Classification: Uncertain significance for Colorectal cancer; Endometrial carcinoma; Colorectal cancer, hereditary nonpolyposis, type 7. Last evaluated: 2021-07-09. Review status: criteria provided, single submitter. Criteria: ACMG Guidelines, 2015. Collection method: clinical testing. Allele origin: germline. Affected: yes.

PreventionGenetics, part of Exact Sciences
Classification: Likely benign for MLH3-related condition. Last evaluated: 2022-08-04. Review status: no assertion criteria provided. Collection method: clinical testing. Allele origin: germline. Not counted in ClinVar's aggregate classification.
Comment: This variant is classified as likely benign based on ACMG/AMP sequence variant interpretation guidelines (Richards et al. 2015 PMID: 25741868, with internal and published modifications).

NM_001040108.2(MLH3):c.2180G>A (p.Ser727Asn)

Gene: MLH3 (mutL homolog 3; minus strand). Cytogenetic location: 14q24.3.
Variant type: single nucleotide variant.
Coding change: c.2180G>A on transcript NM_001040108.2 (MANE Select); coding-DNA position 2180, G replaced by A.
Protein change: p.Ser727Asn; replaces serine 727 with asparagine.
Molecular consequence: missense variant.
Genome position (GRCh38, 1-based): chr14:75,047,476, C>T on the plus strand (G>A on the coding strand, the complement: MLH3 is on the minus strand). VCF-style: chr14-75047476-C-T. GRCh37 (hg19) VCF-style: chr14-75514179-C-T.
Other names: c.2180G>A, p.Ser727Asn (NM_014381.3); short protein forms S727N.
Identifiers: ClinVar variation 1157107 (VCV001157107.14), dbSNP rs116526686, ClinGen allele CA7275740.
Genomic context (GRCh38, chr14:75,047,476, plus strand): 5'-AAGCTTAGCTTCTTACGGACGATTGGTTTGGAGAAACCAATTAATTTATCTGTTTTCCTA[C>T]TATCATTGGAAACGTGTCTATACCAGGGGAAAGAGGGGGATGTATCAGATAATATGCAAT-3'
Protein context (NP_001035197.1, residues 717-737): FPWYRHVSND[Ser727Asn]RKTDKLIGFS